The following is an entry in ClinVar:

ClinVar aggregate classification (germline): Uncertain significance. Review status: criteria provided, multiple submitters, no conflicts (2 of 4 stars). 5 submissions from 5 submitters: Uncertain significance (5). Last evaluated 2026-04-28.

Conditions:
Bardet-Biedl syndrome 1 (BBS1). Identifiers: MedGen C2936862, MONDO:0008854, OMIM 209900. Disease mechanism: loss of function.
BBS1-related disorder. Also called: BBS1-related condition.
Inborn genetic diseases. Identifiers: MedGen C0950123, MeSH D030342.
Bardet-Biedl syndrome (BBS). Identifiers: Orphanet 110, MedGen C0752166, MONDO:0015229.

Allele frequency attached by ClinVar (database versions not stated): TOPMed 0.00002; gnomAD 0.00003; gnomAD exomes 0.00006; ExAC 0.00008.
gnomAD v4.1: 89 of 1,614,158 alleles (0.0055%); highest among the groups gnomAD compares: South Asian, 0.036%; 3 homozygotes.

Submissions (5):

PreventionGenetics, part of Exact Sciences
Classification: Uncertain significance for BBS1-related condition. Last evaluated: 2026-04-28. Review status: criteria provided, single submitter. Criteria: ACMG Guidelines, 2015. Collection method: clinical testing. Allele origin: germline.
Comment: The BBS1 c.298C>T variant is predicted to result in the amino acid substitution p.Arg100Trp. To our knowledge, this variant has not been reported in the literature. This variant is reported in 0.029% of alleles in individuals of South Asian descent in gnomAD. At this time, the clinical significance of this variant is uncertain due to the absence of conclusive functional and genetic evidence.

Labcorp Genetics (formerly Invitae), Labcorp
Classification: Uncertain significance for Bardet-Biedl syndrome. Last evaluated: 2024-10-27. Review status: criteria provided, single submitter. Criteria: Invitae Variant Classification Sherloc (09022015). Collection method: clinical testing. Allele origin: germline.
Comment: This sequence change replaces arginine, which is basic and polar, with tryptophan, which is neutral and slightly polar, at codon 100 of the BBS1 protein (p.Arg100Trp). This variant is present in population databases (rs769949890, gnomAD 0.03%). This variant has not been reported in the literature in individuals affected with BBS1-related conditions. ClinVar contains an entry for this variant (Variation ID: 2175175). Invitae Evidence Modeling of protein sequence and biophysical properties (such as structural, functional, and spatial information, amino acid conservation, physicochemical variation, residue mobility, and thermodynamic stability) has been performed for this missense variant. However, the output from this modeling did not meet the statistical confidence thresholds required to predict the impact of this variant on BBS1 protein function. In summary, the available evidence is currently insufficient to determine the role of this variant in disease. Therefore, it has been classified as a Variant of Uncertain Significance.

Fulgent Genetics
Classification: Uncertain significance for Bardet-Biedl syndrome 1. Last evaluated: 2024-03-20. Review status: criteria provided, single submitter. Criteria: ACMG Guidelines, 2015. Collection method: clinical testing. Allele origin: germline.

Blueprint Genetics
Classification: Uncertain significance. Last evaluated: 2023-11-22. Review status: criteria provided, single submitter. Criteria: ACMG Guidelines, 2015. Collection method: clinical testing. Allele origin: germline.

Ambry Genetics
Classification: Uncertain significance for Inborn genetic diseases. Last evaluated: 2021-08-02. Review status: criteria provided, single submitter. Criteria: Ambry Variant Classification Scheme 2023. Collection method: clinical testing. Allele origin: germline.

NM_024649.5(BBS1):c.298C>T (p.Arg100Trp)

Gene: BBS1 (Bardet-Biedl syndrome 1; plus strand). Cytogenetic location: 11q13.2.
Variant type: single nucleotide variant.
Coding change: c.298C>T on transcript NM_024649.5 (MANE Select); coding-DNA position 298, C replaced by T.
Protein change: p.Arg100Trp; replaces arginine 100 with tryptophan.
Molecular consequence: missense variant.
Genome position (GRCh38, 1-based): chr11:66,514,544, C>T. VCF-style: chr11-66514544-C-T. GRCh37 (hg19) VCF-style: chr11-66282015-C-T.
Other names: c.298C>T (NM_024649.4); short protein forms R100W.
Identifiers: ClinVar variation 2175175 (VCV002175175.6), dbSNP rs769949890, ClinGen allele CA6123303.